The following is an entry in ClinVar:

NM_000371.4(TTR):c.268A>G (p.Lys90Glu)

Gene: TTR (transthyretin; plus strand). Cytogenetic location: 18q12.1.
Variant type: single nucleotide variant.
Coding change: c.268A>G on transcript NM_000371.4 (MANE Select); coding-DNA position 268, A replaced by G.
Protein change: p.Lys90Glu; replaces lysine 90 with glutamic acid.
Molecular consequence: missense variant.
Genome position (GRCh38, 1-based): chr18:31,595,187, A>G. VCF-style: chr18-31595187-A-G. GRCh37 (hg19) VCF-style: chr18-29175150-A-G.
Other names: short protein forms K90E.
Identifiers: ClinVar variation 2916831 (VCV002916831.3), dbSNP rs778412314, ClinGen allele CA402157020.

ClinVar aggregate classification (germline): Likely pathogenic (1 of 4 stars; one submission).

Conditions:
Amyloidosis, hereditary systemic 1 (AMYLD1). Also called: Hereditary oculoleptomeningeal amyloid angiopathy; Familial Transthyretin Amyloidosis; Hereditary Transthyretin Amyloidosis; Familial amyloid polyneuropathy; Transthyretin Amyloidosis; Isolated Cardiac Amyloidosis. Identifiers: Orphanet 85447, Orphanet 85451, MedGen C2751492, MONDO:0971004, OMIM 105210.

gnomAD v4.1: 2 of 1,614,174 alleles (0.00012%); highest among the groups gnomAD compares: Non-Finnish European, 0.00017%; no homozygotes.

Submission:

Labcorp Genetics (formerly Invitae), Labcorp
Classification: Likely pathogenic for Amyloidosis, hereditary systemic 1. Last evaluated: 2023-08-17. Review status: criteria provided, single submitter. Criteria: Invitae Variant Classification Sherloc (09022015). Collection method: clinical testing. Allele origin: germline.
Comment: This missense change has been observed in individual(s) with vitreous amyloidosis and carpal tunnel syndrome (PMID: 26828956). In summary, the currently available evidence indicates that the variant is pathogenic, but additional data are needed to prove that conclusively. Therefore, this variant has been classified as Likely Pathogenic. This variant disrupts the p.Lys90 amino acid residue in TTR. Other variant(s) that disrupt this residue have been determined to be pathogenic (PMID: 1436517). This suggests that this residue is clinically significant, and that variants that disrupt this residue are likely to be disease-causing. Advanced modeling of protein sequence and biophysical properties (such as structural, functional, and spatial information, amino acid conservation, physicochemical variation, residue mobility, and thermodynamic stability) performed at Invitae indicates that this missense variant is expected to disrupt TTR protein function. This variant is not present in population databases (gnomAD no frequency). This sequence change replaces lysine, which is basic and polar, with glutamic acid, which is acidic and polar, at codon 90 of the TTR protein (p.Lys90Glu).

Literature cited by the submitters: PubMed 26828956; PubMed 1436517.